The following is an entry in ClinVar:

ClinVar aggregate classification (germline): Likely pathogenic. Review status: criteria provided, multiple submitters, no conflicts (2 of 4 stars). 2 submissions from 2 submitters: Likely pathogenic (2). Last evaluated 2025-07-10.

Conditions:
Usher syndrome type 1 (USH1). Also called: RETINITIS PIGMENTOSA AND CONGENITAL DEAFNESS. Identifiers: Orphanet 231169, Orphanet 886, MedGen C1568247, MONDO:0010168, OMIM 276900.
Pituitary adenoma 5, multiple types. Identifiers: MedGen C4539685, MONDO:0054601, OMIM 617540.

Submissions (2):

Natera, Inc.
Classification: Likely pathogenic for Usher syndrome type 1. Last evaluated: 2025-07-10. Review status: criteria provided, single submitter. Criteria: Natera Variant Classification Schema (03/2026). Collection method: clinical testing. Allele origin: germline.
Comment: The c.6821_6822del variant in CDH23 is a frameshift variant predicted to shift the reading frame beginning at codon 2274 and leads to a stop codon 14 codons downstream. This variant is expected to result in nonsense mediated decay, truncation, or a dysfunctional protein product. This variant is rare in the general population with a frequency below the threshold expected for the associated phenotype(s). Given the available evidence, this variant is classified as Likely Pathogenic.

Baylor Genetics
Classification: Likely pathogenic for Pituitary adenoma 5, multiple types. Last evaluated: 2021-12-08. Review status: criteria provided, single submitter. Criteria: ACMG Guidelines, 2015. Collection method: clinical testing. Allele origin: unknown.

NM_022124.6(CDH23):c.6821_6822del (p.Val2274fs)

Gene: CDH23 (cadherin related 23; plus strand). Cytogenetic location: 10q22.1.
Variant type: Microsatellite.
Coding change: c.6821_6822del on transcript NM_022124.6 (MANE Select); coding-DNA positions 6821 to 6822, 2 bases deleted (TG; older notation c.6821_6822delTG).
Protein change: p.Val2274fs; shifts the reading frame from valine 2274.
Molecular consequence: frameshift variant.
Genome position (GRCh38, 1-based): chr10:71,797,212-71,797,213, TG deleted; deleting any 2 consecutive bases within chr10:71,797,209-71,797,213 gives the same sequence; the c. name uses the placement nearest the transcript's 3' end. VCF-style (leftmost placement, unchanged base first): chr10-71797208-AGT-A. GRCh37 (hg19) VCF-style: chr10-73556965-AGT-A.
Other names: c.101_102del, p.Val34fs (NM_001171933.1, NM_001171934.1); c.6821_6822del (NM_022124.5); short protein forms V2274fs, V34fs.
Identifiers: ClinVar variation 2680530 (VCV002680530.2), dbSNP rs2494395471, ClinGen allele CA2695199538.